The following is an entry in ClinVar:

ClinVar aggregate classification (germline): Uncertain significance (1 of 4 stars; one submission).

Conditions:
Saldino-Mainzer syndrome (SRTD9). Also called: Renal dysplasia, retinal pigmentary dystrophy, cerebellar ataxia and skeletal dysplasia; CONORENAL SYNDROME; SHORT-RIB THORACIC DYSPLASIA 9 WITHOUT POLYDACTYLY; short-rib thoracic dysplasia 9 with or without polydactyly. Identifiers: Orphanet 140969, MedGen C1849437, MONDO:0009964, OMIM 266920.

Allele frequency attached by ClinVar (database versions not stated): gnomAD exomes below 0.00001.
gnomAD v4.1: 4 of 1,614,124 alleles (0.00025%); highest among the groups gnomAD compares: Non-Finnish European, 0.00034%; no homozygotes.

Submission:

Labcorp Genetics (formerly Invitae), Labcorp
Classification: Uncertain significance for Saldino-Mainzer syndrome. Last evaluated: 2022-07-11. Review status: criteria provided, single submitter. Criteria: Invitae Variant Classification Sherloc (09022015). Collection method: clinical testing. Allele origin: germline.
Comment: In summary, the available evidence is currently insufficient to determine the role of this variant in disease. Therefore, it has been classified as a Variant of Uncertain Significance. Algorithms developed to predict the effect of missense changes on protein structure and function output the following: SIFT: "Tolerated"; PolyPhen-2: "Benign"; Align-GVGD: "Class C0". The alanine amino acid residue is found in multiple mammalian species, which suggests that this missense change does not adversely affect protein function. This sequence change replaces threonine, which is neutral and polar, with alanine, which is neutral and non-polar, at codon 40 of the IFT140 protein (p.Thr40Ala). This variant is present in population databases (no rsID available, gnomAD 0.0009%). This variant has not been reported in the literature in individuals affected with IFT140-related conditions. ClinVar contains an entry for this variant (Variation ID: 1525185).

NM_014714.4(IFT140):c.118A>G (p.Thr40Ala)

Genes: IFT140 (intraflagellar transport 140; minus strand), LOC105371046 (uncharacterized LOC105371046; plus strand). Cytogenetic location: 16p13.3.
Variant type: single nucleotide variant.
Coding change: c.118A>G on transcript NM_014714.4 (MANE Select); coding-DNA position 118, A replaced by G.
Protein change: p.Thr40Ala; replaces threonine 40 with alanine.
Molecular consequence: missense variant.
Genome position (GRCh38, 1-based): chr16:1,607,149, T>C on the plus strand (A>G on the coding strand, the complement: IFT140 is on the minus strand). VCF-style: chr16-1607149-T-C. GRCh37 (hg19) VCF-style: chr16-1657150-T-C.
Other names: short protein forms T40A.
Identifiers: ClinVar variation 1525185 (VCV001525185.8), dbSNP rs1331143723, ClinGen allele CA394194561.